The following is an entry in ClinVar:

NM_018136.5(ASPM):c.7028C>G (p.Ser2343Cys)

Gene: ASPM (assembly factor for spindle microtubules; minus strand). Cytogenetic location: 1q31.3.
Variant type: single nucleotide variant.
Coding change: c.7028C>G on transcript NM_018136.5 (MANE Select); coding-DNA position 7028, C replaced by G.
Protein change: p.Ser2343Cys; replaces serine 2343 with cysteine.
Molecular consequence: missense variant. On other transcripts: intron variant (1).
Genome position (GRCh38, 1-based): chr1:197,102,223, G>C on the plus strand (C>G on the coding strand, the complement: ASPM is on the minus strand). VCF-style: chr1-197102223-G-C. GRCh37 (hg19) VCF-style: chr1-197071353-G-C.
Other names: c.4066-6059C>G (NM_001206846.2); short protein forms S2343C.
Identifiers: ClinVar variation 2777388 (VCV002777388.3), dbSNP rs767340237, ClinGen allele CA1309472.

ClinVar aggregate classification (germline): Uncertain significance (1 of 4 stars; one submission).

Allele frequency attached by ClinVar (database versions not stated): TOPMed below 0.00001; gnomAD exomes 0.00001; ExAC 0.00002.
gnomAD v4.1: 4 of 1,612,718 alleles (0.00025%); highest among the groups gnomAD compares: Admixed American, 0.0067%; no homozygotes.

Submission:

Labcorp Genetics (formerly Invitae), Labcorp
Classification: Uncertain significance. Last evaluated: 2024-10-16. Review status: criteria provided, single submitter. Criteria: Invitae Variant Classification Sherloc (09022015). Collection method: clinical testing. Allele origin: germline.
Comment: This sequence change replaces serine, which is neutral and polar, with cysteine, which is neutral and slightly polar, at codon 2343 of the ASPM protein (p.Ser2343Cys). This variant is present in population databases (rs767340237, gnomAD 0.01%). This variant has not been reported in the literature in individuals affected with ASPM-related conditions. Invitae Evidence Modeling of protein sequence and biophysical properties (such as structural, functional, and spatial information, amino acid conservation, physicochemical variation, residue mobility, and thermodynamic stability) indicates that this missense variant is not expected to disrupt ASPM protein function with a negative predictive value of 80%. In summary, the available evidence is currently insufficient to determine the role of this variant in disease. Therefore, it has been classified as a Variant of Uncertain Significance.